The following is an entry in ClinVar:

NM_004370.6(COL12A1):c.3812A>G (p.Tyr1271Cys)

Gene: COL12A1 (collagen type XII alpha 1 chain; minus strand). Cytogenetic location: 6q13.
Variant type: single nucleotide variant.
Coding change: c.3812A>G on transcript NM_004370.6 (MANE Select); coding-DNA position 3812, A replaced by G.
Protein change: p.Tyr1271Cys; replaces tyrosine 1271 with cysteine.
Molecular consequence: missense variant.
Genome position (GRCh38, 1-based): chr6:75,152,154, T>C on the plus strand (A>G on the coding strand, the complement: COL12A1 is on the minus strand). VCF-style: chr6-75152154-T-C. GRCh37 (hg19) VCF-style: chr6-75861870-T-C.
Other names: c.3812A>G, p.Tyr1271Cys (NM_001424113.1, NM_001424114.1); c.3539A>G, p.Tyr1180Cys (NM_001424115.1); c.320A>G, p.Tyr107Cys (NM_001424116.1, NM_080645.3); short protein forms Y107C, Y1180C, Y1271C.
Identifiers: ClinVar variation 2627531 (VCV002627531.1), dbSNP rs2533400420, ClinGen allele CA364749116.

ClinVar aggregate classification (germline): Uncertain significance (1 of 4 stars; one submission).

Conditions:
Bethlem myopathy 2 (BTHLM2). Identifiers: Orphanet 536516, Orphanet 610, MedGen C4225313, MONDO:0034022, OMIM 616471.

Allele frequency attached by ClinVar (database versions not stated): gnomAD exomes below 0.00001.
gnomAD v4.1: 1 of 1,613,860 alleles (0.000062%); highest among the groups gnomAD compares: Non-Finnish European, 0.000085%; no homozygotes.

Submission:

Neuberg Centre For Genomic Medicine, NCGM
Classification: Uncertain significance for Bethlem myopathy 2. Review status: criteria provided, single submitter. Criteria: ACMG Guidelines, 2015. Collection method: clinical testing. Allele origin: germline. Inheritance: Autosomal dominant inheritance. Affected: yes.
Comment: The missense variant p.Y1271C in COL12A1 (NM_004370.6) has not been reported previously as a pathogenic variant nor as a benign variant, to our knowledge. The p.Y1271C variant is novel (not in any individuals) in gnomAD Exomes and is novel (not in any individuals) in 1000 Genomes. The p.Y1271C missense variant is predicted to be damaging by both SIFT and PolyPhen2. The tyrosine residue at codon 1271 of COL12A1 is conserved in all mammalian species. The nucleotide c.3812 in COL12A1 is predicted conserved by GERP++ and PhyloP across 100 vertebrates. For these reasons, this variant has been classified as Uncertain Significance.